The following is an entry in ClinVar:

ClinVar aggregate classification (germline): Uncertain significance. Review status: criteria provided, multiple submitters, no conflicts (2 of 4 stars). 3 submissions from 3 submitters: Uncertain significance (3). Last evaluated 2024-06-06.

Conditions:
Developmental and epileptic encephalopathy, 12 (DEE12). Identifiers: MedGen C3150988, MONDO:0013389, OMIM 613722.

Allele frequency attached by ClinVar (database versions not stated): gnomAD exomes below 0.00001; TOPMed below 0.00001.

Submissions (3):

ARUP Laboratories, Molecular Genetics and Genomics, ARUP Laboratories
Classification: Uncertain significance for Developmental and epileptic encephalopathy, 12. Last evaluated: 2024-06-06. Review status: criteria provided, single submitter. Criteria: ARUP Molecular Germline Variant Investigation Process 2024. Collection method: clinical testing. Allele origin: germline.

Labcorp Genetics (formerly Invitae), Labcorp
Classification: Uncertain significance for Developmental and epileptic encephalopathy, 12. Last evaluated: 2022-11-08. Review status: criteria provided, single submitter. Criteria: Invitae Variant Classification Sherloc (09022015). Collection method: clinical testing. Allele origin: germline.
Comment: This sequence change replaces arginine, which is basic and polar, with tryptophan, which is neutral and slightly polar, at codon 257 of the PLCB1 protein (p.Arg257Trp). This variant is present in population databases (no rsID available, gnomAD 0.003%). This variant has not been reported in the literature in individuals affected with PLCB1-related conditions. ClinVar contains an entry for this variant (Variation ID: 1018024). Advanced modeling of protein sequence and biophysical properties (such as structural, functional, and spatial information, amino acid conservation, physicochemical variation, residue mobility, and thermodynamic stability) performed at Invitae indicates that this missense variant is expected to disrupt PLCB1 protein function. In summary, the available evidence is currently insufficient to determine the role of this variant in disease. Therefore, it has been classified as a Variant of Uncertain Significance.

GeneDx
Classification: Uncertain significance. Last evaluated: 2022-02-20. Review status: criteria provided, single submitter. Criteria: GeneDx Variant Classification Process June 2021. Collection method: clinical testing. Allele origin: germline. Affected: yes.
Comment: Not observed at significant frequency in large population cohorts (gnomAD); In silico analysis supports that this missense variant has a deleterious effect on protein structure/function; Has not been previously published as pathogenic or benign to our knowledge

NM_015192.4(PLCB1):c.769C>T (p.Arg257Trp)

Gene: PLCB1 (phospholipase C beta 1; plus strand). Cytogenetic location: 20p12.3.
Variant type: single nucleotide variant.
Coding change: c.769C>T on transcript NM_015192.4 (MANE Select); coding-DNA position 769, C replaced by T.
Protein change: p.Arg257Trp; replaces arginine 257 with tryptophan.
Molecular consequence: missense variant.
Genome position (GRCh38, 1-based): chr20:8,658,611, C>T. VCF-style: chr20-8658611-C-T. GRCh37 (hg19) VCF-style: chr20-8639258-C-T.
Other names: c.769C>T, p.Arg257Trp (NM_182734.3); short protein forms R257W.
Identifiers: ClinVar variation 1018024 (VCV001018024.11), dbSNP rs1419504867, ClinGen allele CA408264202.